The following is an entry in ClinVar:

NM_002292.4(LAMB2):c.4753C>A (p.Gln1585Lys)

Gene: LAMB2 (laminin subunit beta 2; minus strand). Cytogenetic location: 3p21.31.
Variant type: single nucleotide variant.
Coding change: c.4753C>A on transcript NM_002292.4 (MANE Select); coding-DNA position 4753, C replaced by A.
Protein change: p.Gln1585Lys; replaces glutamine 1585 with lysine.
Molecular consequence: missense variant.
Genome position (GRCh38, 1-based): chr3:49,122,191, G>T on the plus strand (C>A on the coding strand, the complement: LAMB2 is on the minus strand). VCF-style: chr3-49122191-G-T. GRCh37 (hg19) VCF-style: chr3-49159624-G-T.
Other names: short protein forms Q1585K.
Identifiers: ClinVar variation 2080008 (VCV002080008.4), dbSNP rs966165034, ClinGen allele CA74475685.

ClinVar aggregate classification (germline): Uncertain significance (1 of 4 stars; one submission).

Conditions:
Pierson syndrome. Also called: MICROCORIA-CONGENITAL NEPHROTIC SYNDROME. Identifiers: Orphanet 2670, MedGen C1836876, MONDO:0012184, OMIM 609049.
LAMB2-related infantile-onset nephrotic syndrome. Also called: Nephrotic Syndrome, type 5; NEPHROTIC SYNDROME, TYPE 5, WITHOUT OCULAR ABNORMALITIES; NEPHROTIC SYNDROME, TYPE 5, WITH OCULAR ABNORMALITIES. Identifiers: Orphanet 306507, MedGen C3280113, MONDO:0013621, OMIM 614199.

Allele frequency attached by ClinVar (database versions not stated): TOPMed below 0.00001.

Submission:

Labcorp Genetics (formerly Invitae), Labcorp
Classification: Uncertain significance for LAMB2-related infantile-onset nephrotic syndrome; Pierson syndrome. Last evaluated: 2022-07-28. Review status: criteria provided, single submitter. Criteria: Invitae Variant Classification Sherloc (09022015). Collection method: clinical testing. Allele origin: germline.
Comment: This sequence change replaces glutamine, which is neutral and polar, with lysine, which is basic and polar, at codon 1585 of the LAMB2 protein (p.Gln1585Lys). This variant is not present in population databases (gnomAD no frequency). This variant has not been reported in the literature in individuals affected with LAMB2-related conditions. Algorithms developed to predict the effect of missense changes on protein structure and function are either unavailable or do not agree on the potential impact of this missense change (SIFT: "Deleterious"; PolyPhen-2: "Benign"; Align-GVGD: "Class C45"). In summary, the available evidence is currently insufficient to determine the role of this variant in disease. Therefore, it has been classified as a Variant of Uncertain Significance.